The following is an entry in ClinVar:

NM_194454.3(KRIT1):c.1237G>T (p.Glu413Ter)

Gene: KRIT1 (KRIT1 ankyrin repeat containing; minus strand). Cytogenetic location: 7q21.2.
Variant type: single nucleotide variant.
Coding change: c.1237G>T on transcript NM_194454.3 (MANE Select); coding-DNA position 1237, G replaced by T.
Protein change: p.Glu413Ter; replaces glutamic acid 413 with a stop codon.
Molecular consequence: nonsense.
Genome position (GRCh38, 1-based): chr7:92,225,737, C>A on the plus strand (G>T on the coding strand, the complement: KRIT1 is on the minus strand). VCF-style: chr7-92225737-C-A. GRCh37 (hg19) VCF-style: chr7-91855051-C-A.
Other names: c.1093G>T, p.Glu365Ter (NM_001013406.2, NM_001350669.1, NM_001350670.1); c.523G>T, p.Glu175Ter (NM_001350671.1); c.1237G>T, p.Glu413Ter (NM_001350672.1, NM_001350673.1, NM_001350674.1 and 26 more transcripts); short protein forms E413*, E175*, E365*.
Identifiers: ClinVar variation 4718511 (VCV004718511.1).

ClinVar aggregate classification (germline): Pathogenic (1 of 4 stars; one submission).

Conditions:
Cerebral cavernous malformation (CCM). Also called: Cerebral cavernous malformations; Cavernous Hemangioma of Brain; CAVERNOUS ANGIOMA, FAMILIAL; CAVERNOUS ANGIOMATOUS MALFORMATIONS; CEREBRAL CAPILLARY MALFORMATIONS; Cerebral cavernous hemangioma (type). Identifiers: Orphanet 221061, MedGen C2919945, MONDO:0000820, OMIM 116860, HP:0033522.

Submission:

Labcorp Genetics (formerly Invitae), Labcorp
Classification: Pathogenic for Cerebral cavernous malformation. Last evaluated: 2025-06-22. Review status: criteria provided, single submitter. Criteria: Invitae Variant Classification Sherloc (09022015). Collection method: clinical testing. Allele origin: germline.
Comment: This sequence change creates a premature translational stop signal (p.Glu413*) in the KRIT1 gene. It is expected to result in an absent or disrupted protein product. Loss-of-function variants in KRIT1 are known to be pathogenic (PMID: 10508515, 11222804, 12404106, 24689081). This variant is not present in population databases (gnomAD no frequency). This variant has not been reported in the literature in individuals affected with KRIT1-related conditions. Algorithms developed to predict the effect of sequence changes on RNA splicing suggest that this variant may disrupt the consensus splice site. For these reasons, this variant has been classified as Pathogenic.

Literature cited by the submitters: PubMed 10508515; PubMed 11222804; PubMed 12404106; PubMed 24689081.